The following is an entry in ClinVar:

NM_001370259.2(MEN1):c.1673T>C (p.Met558Thr)

Gene: MEN1 (menin 1; minus strand). Cytogenetic location: 11q13.1.
Variant type: single nucleotide variant.
Coding change: c.1673T>C on transcript NM_001370259.2 (MANE Select); coding-DNA position 1673, T replaced by C.
Protein change: p.Met558Thr; replaces methionine 558 with threonine.
Molecular consequence: missense variant. On other transcripts: non-coding transcript variant (4).
Genome position (GRCh38, 1-based): chr11:64,804,494, A>G on the plus strand (T>C on the coding strand, the complement: MEN1 is on the minus strand). VCF-style: chr11-64804494-A-G. GRCh37 (hg19) VCF-style: chr11-64571966-A-G.
Other names: c.1688T>C, p.Met563Thr (NM_001407145.1, NM_000244.4, NM_130800.3 and 4 more transcripts); c.1673T>C, p.Met558Thr (NM_001407146.1, NM_001407147.1, NM_001370260.2 and 2 more transcripts); c.1568T>C, p.Met523Thr (NM_001407148.1, NM_001407149.1, NM_001370262.2 and 1 more transcripts); c.1814T>C, p.Met605Thr (NM_001407150.1); c.1694T>C, p.Met565Thr (NM_001407151.1); c.1508T>C, p.Met503Thr (NM_001407152.1); c.1799T>C, p.Met600Thr (NM_001407144.1, NM_001370251.2, NM_001407142.1 and 1 more transcripts); short protein forms M523T, M563T, M605T, M503T, M558T, M565T, M600T.
Identifiers: ClinVar variation 2808810 (VCV002808810.5), dbSNP rs2497106696, ClinGen allele CA381177754.

ClinVar aggregate classification (germline): Likely pathogenic. Review status: criteria provided, multiple submitters, no conflicts (2 of 4 stars). 2 submissions from 2 submitters: Likely pathogenic (2). Last evaluated 2025-07-10.

Conditions:
Multiple endocrine neoplasia, type 1 (MEN1). Also called: MEN I; WERMER SYNDROME; Endocrine adenomatosis multiple; MEN 1; MEA I. Identifiers: Orphanet 652, MedGen C0025267, MeSH D018761, MONDO:0007540, OMIM 131100.
Hereditary cancer-predisposing syndrome. Also called: Hereditary Cancer Syndrome; Hereditary neoplastic syndrome; Neoplastic Syndromes, Hereditary; Tumor predisposition. Identifiers: Orphanet 140162, MedGen C0027672, MeSH D009386, MONDO:0015356.

Submissions (2):

Ambry Genetics
Classification: Likely pathogenic for Hereditary cancer-predisposing syndrome. Last evaluated: 2025-07-10. Review status: criteria provided, single submitter. Criteria: Ambry Variant Classification Scheme 2023. Collection method: clinical testing. Allele origin: germline.
Comment: The p.M558T variant (also known as c.1673T>C), located in coding exon 9 of the MEN1 gene, results from a T to C substitution at nucleotide position 1673. The methionine at codon 558 is replaced by threonine, an amino acid with similar properties. This variant was reported in individuals with features consistent with multiple endocrine neoplasia type 1 (Ambry internal data, external communication). This amino acid position is conserved. In addition, this alteration is predicted to be deleterious by in silico analysis. This variant is considered to be rare based on population cohorts in the Genome Aggregation Database (gnomAD). Based on the majority of available evidence to date, this variant is likely to be pathogenic.

Labcorp Genetics (formerly Invitae), Labcorp
Classification: Likely pathogenic for Multiple endocrine neoplasia, type 1. Last evaluated: 2025-07-08. Review status: criteria provided, single submitter. Criteria: Invitae Variant Classification Sherloc (09022015). Collection method: clinical testing. Allele origin: germline.
Comment: This sequence change replaces methionine, which is neutral and non-polar, with threonine, which is neutral and polar, at codon 558 of the MEN1 protein (p.Met558Thr). This variant is not present in population databases (gnomAD no frequency). This missense change has been observed in individual(s) with clinical features of multiple endocrine neoplasia type 1 (internal data). ClinVar contains an entry for this variant (Variation ID: 2808810). Invitae Evidence Modeling of protein sequence and biophysical properties (such as structural, functional, and spatial information, amino acid conservation, physicochemical variation, residue mobility, and thermodynamic stability) indicates that this missense variant is expected to disrupt MEN1 protein function with a positive predictive value of 95%. In summary, the currently available evidence indicates that the variant is pathogenic, but additional data are needed to prove that conclusively. Therefore, this variant has been classified as Likely Pathogenic.